The following is an entry in ClinVar:

NM_000535.7(PMS2):c.2393G>A (p.Cys798Tyr)

Gene: PMS2 (PMS1 homolog 2, mismatch repair system component; minus strand). Cytogenetic location: 7p22.1.
Variant type: single nucleotide variant.
Coding change: c.2393G>A on transcript NM_000535.7 (MANE Select); coding-DNA position 2393, G replaced by A.
Protein change: p.Cys798Tyr; replaces cysteine 798 with tyrosine.
Molecular consequence: missense variant. On other transcripts: non-coding transcript variant (1).
Genome position (GRCh38, 1-based): chr7:5,977,640, C>T on the plus strand (G>A on the coding strand, the complement: PMS2 is on the minus strand). VCF-style: chr7-5977640-C-T. GRCh37 (hg19) VCF-style: chr7-6017271-C-T.
Other names: c.1988G>A, p.Cys663Tyr (NM_001322003.2, NM_001322004.2, NM_001322005.2); c.2237G>A, p.Cys746Tyr (NM_001322006.2); c.2075G>A, p.Cys692Tyr (NM_001322007.2, NM_001322008.2); c.2021G>A, p.Cys674Tyr (NM_001322009.2); c.1832G>A, p.Cys611Tyr (NM_001322010.2); c.1460G>A, p.Cys487Tyr (NM_001322011.2, NM_001322012.2); c.1820G>A, p.Cys607Tyr (NM_001322013.2); c.2426G>A, p.Cys809Tyr (NM_001322014.2); and 1 more; short protein forms C487Y, C809Y, C695Y, C692Y, C798Y, C607Y, C611Y, C663Y.
Identifiers: ClinVar variation 1377135 (VCV001377135.8), dbSNP rs2128672830, ClinGen allele CA366735708.
Genomic context (GRCh38, chr7:5,977,640, plus strand): 5'-TTACTTACCGACTTCCGGCAGGCTCTGGAGGCAAACATCTGCTTGACTCGGGAAGGCCGG[C>T]ACATGACCCCAGGGCTGTCGCTCAGCATGAAGATCAGTTCATCGACGTCCTGGGGTCCGA-3'
Protein context (NP_000526.2, residues 788-808): FMLSDSPGVM[Cys798Tyr]RPSRVKQMFA

ClinVar aggregate classification (germline): Uncertain significance. Review status: criteria provided, multiple submitters, no conflicts (2 of 4 stars). 2 submissions from 2 submitters: Uncertain significance (2). Last evaluated 2026-01-11.

Conditions:
Hereditary nonpolyposis colorectal neoplasms. Identifiers: MedGen C0009405, MeSH D003123.
Hereditary cancer-predisposing syndrome. Also called: Neoplastic Syndromes, Hereditary; Hereditary Cancer Syndrome; Tumor predisposition; Hereditary neoplastic syndrome. Identifiers: Orphanet 140162, MedGen C0027672, MeSH D009386, MONDO:0015356.

Submissions (2):

Labcorp Genetics (formerly Invitae), Labcorp
Classification: Uncertain significance for Hereditary nonpolyposis colorectal neoplasms. Last evaluated: 2026-01-11. Review status: criteria provided, single submitter. Criteria: Invitae Variant Classification Sherloc (09022015). Collection method: clinical testing. Allele origin: germline.
Comment: This sequence change replaces cysteine, which is neutral and slightly polar, with tyrosine, which is neutral and polar, at codon 798 of the PMS2 protein (p.Cys798Tyr). The frequency data for this variant in the population databases (gnomAD) is considered unreliable due to the presence of homologous sequence, such as pseudogenes or paralogs, in the genome. This variant has not been reported in the literature in individuals affected with PMS2-related conditions. ClinVar contains an entry for this variant (Variation ID: 1377135). Invitae Evidence Modeling of protein sequence and biophysical properties (such as structural, functional, and spatial information, amino acid conservation, physicochemical variation, residue mobility, and thermodynamic stability) indicates that this missense variant is expected to disrupt PMS2 protein function with a positive predictive value of 80%. In summary, the available evidence is currently insufficient to determine the role of this variant in disease. Therefore, it has been classified as a Variant of Uncertain Significance.

Ambry Genetics
Classification: Uncertain significance for Hereditary cancer-predisposing syndrome. Last evaluated: 2019-11-14. Review status: criteria provided, single submitter. Criteria: Ambry Variant Classification Scheme 2023. Collection method: clinical testing. Allele origin: germline.
Comment: The p.C798Y variant (also known as c.2393G>A), located in coding exon 14 of the PMS2 gene, results from a G to A substitution at nucleotide position 2393. The cysteine at codon 798 is replaced by tyrosine, an amino acid with highly dissimilar properties. This amino acid position is highly conserved in available vertebrate species. In addition, this alteration is predicted to be deleterious by in silico analysis. Since supporting evidence is limited at this time, the clinical significance of this alteration remains unclear.